The following is an entry in ClinVar:

NM_006208.3(ENPP1):c.2449AGA[1] (p.Arg818del)

Gene: ENPP1 (ectonucleotide pyrophosphatase/phosphodiesterase 1; plus strand). Cytogenetic location: 6q23.2.
Variant type: Microsatellite.
Coding change: c.2449AGA[1] on transcript NM_006208.3 (MANE Select); one copy of the 3-base unit AGA starting at c.2449; the reference has two copies in a row; one copy, 3 bases deleted.
Protein change: p.Arg818del; deletes arginine 818.
Molecular consequence: inframe deletion.
Genome position (GRCh38, 1-based): chr6:131,886,569-131,886,571, AGA deleted; deleting any 3 consecutive bases within chr6:131,886,565-131,886,571 gives the same sequence; the position shown is the placement nearest the transcript's 3' end. VCF-style (leftmost placement, unchanged base first): chr6-131886564-AAAG-A. GRCh37 (hg19) VCF-style: chr6-132207704-AAAG-A.
Other names: short protein forms R818del.
Identifiers: ClinVar variation 848324 (VCV000848324.10), dbSNP rs780709634, ClinGen allele CA4002543.

ClinVar aggregate classification (germline): Uncertain significance (1 of 4 stars; one submission).

Submission:

Labcorp Genetics (formerly Invitae), Labcorp
Classification: Uncertain significance. Last evaluated: 2024-10-28. Review status: criteria provided, single submitter. Criteria: Invitae Variant Classification Sherloc (09022015). Collection method: clinical testing. Allele origin: germline.
Comment: This variant, c.2452_2454del, results in the deletion of 1 amino acid(s) of the ENPP1 protein (p.Arg818del), but otherwise preserves the integrity of the reading frame. This variant is present in population databases (rs780709634, gnomAD 0.002%). This variant has not been reported in the literature in individuals affected with ENPP1-related conditions. ClinVar contains an entry for this variant (Variation ID: 848324). Experimental studies and prediction algorithms are not available or were not evaluated, and the functional significance of this variant is currently unknown. In summary, the available evidence is currently insufficient to determine the role of this variant in disease. Therefore, it has been classified as a Variant of Uncertain Significance.